The following is an entry in ClinVar:

ClinVar aggregate classification (germline): Uncertain significance (1 of 4 stars; one submission).

Submission:

CeGaT Center for Human Genetics Tuebingen
Classification: Uncertain significance. Last evaluated: 2023-11-01. Review status: criteria provided, single submitter. Criteria: CeGaT Center For Human Genetics Tuebingen Variant Classification Criteria Version 2. Collection method: clinical testing. Allele origin: germline. Affected: yes. Observed: 1 variant allele.
Comment: TSC1: PM2, BP4

NM_000368.5(TSC1):c.1732A>G (p.Thr578Ala)

Gene: TSC1 (TSC complex subunit 1; minus strand). Cytogenetic location: 9q34.13.
Variant type: single nucleotide variant.
Coding change: c.1732A>G on transcript NM_000368.5 (MANE Select); coding-DNA position 1732, A replaced by G.
Protein change: p.Thr578Ala; replaces threonine 578 with alanine.
Molecular consequence: missense variant. On other transcripts: non-coding transcript variant (5).
Genome position (GRCh38, 1-based): chr9:132,905,846, T>C on the plus strand (A>G on the coding strand, the complement: TSC1 is on the minus strand). VCF-style: chr9-132905846-T-C. GRCh37 (hg19) VCF-style: chr9-135781233-T-C.
Other names: c.1729A>G, p.Thr577Ala (NM_001162426.2, NM_001406597.1, NM_001406598.1 and 6 more transcripts); c.1579A>G, p.Thr527Ala (NM_001162427.2, NM_001406610.1); c.1369A>G, p.Thr457Ala (NM_001362177.2, NM_001406624.1, NM_001406614.1 and 5 more transcripts); c.1732A>G, p.Thr578Ala (NM_001406592.1, NM_001406593.1, NM_001406594.1 and 7 more transcripts); c.1576A>G, p.Thr526Ala (NM_001406611.1, NM_001406612.1, NM_001406613.1); c.1366A>G, p.Thr456Ala (NM_001406622.1, NM_001406623.1, NM_001406625.1 and 2 more transcripts); c.781A>G, p.Thr261Ala (NM_001406626.1); c.778A>G, p.Thr260Ala (NM_001406627.1, NM_001406628.1); and 1 more; short protein forms T227A, T260A, T261A, T456A, T457A, T526A, T527A, T577A.
Identifiers: ClinVar variation 2673197 (VCV002673197.23), dbSNP rs2131828425, ClinGen allele CA375363914.